The following is an entry in ClinVar:

ClinVar aggregate classification (germline): Pathogenic (1 of 4 stars; one submission).

Conditions:
Breast-ovarian cancer, familial, susceptibility to, 2 (BROVCA2). Also called: BRCA2 Hereditary Breast and Ovarian Cancer. Identifiers: Orphanet 145, MedGen C2675520, MONDO:0012933, OMIM 612555. Disease mechanism: loss of function.

Submission:

Myriad Genetics, Inc.
Classification: Pathogenic for Breast-ovarian cancer, familial, susceptibility to, 2. Last evaluated: 2023-01-12. Review status: criteria provided, single submitter. Criteria: Myriad Autosomal Dominant, Autosomal Recessive and X-Linked Classification Criteria (2023). Collection method: clinical testing. Allele origin: unknown.
Comment: This variant is considered pathogenic. This variant creates a frameshift predicted to result in premature protein truncation.

NM_000059.4(BRCA2):c.417del (p.Ser140fs)

Gene: BRCA2 (BRCA2 DNA repair associated; plus strand). Cytogenetic location: 13q13.1.
Variant type: Deletion.
Coding change: c.417del on transcript NM_000059.4 (MANE Select); coding-DNA position 417, one base deleted (T; older notation c.417delT).
Protein change: p.Ser140fs; shifts the reading frame from serine 140.
Molecular consequence: frameshift variant.
Genome position (GRCh38, 1-based): chr13:32,325,176, T deleted; the last of 2 consecutive T bases (chr13:32,325,175-32,325,176); deleting either gives the same sequence. VCF-style (leftmost placement, unchanged base first): chr13-32325174-CT-C. GRCh37 (hg19) VCF-style: chr13-32899311-CT-C.
Other names: c.417delT, p.Ser140Valfs (NM_001406719.1, NM_001406720.1, NM_001406721.1); c.48delT, p.Ser17Valfs (NM_001406722.1); short protein forms S140fs.
Identifiers: ClinVar variation 2431301 (VCV002431301.1), dbSNP rs2548514179, ClinGen allele CA2580086978.